The following is an entry in ClinVar:

NM_002734.5(PRKAR1A):c.137C>A (p.Pro46His)

Gene: PRKAR1A (protein kinase cAMP-dependent type I regulatory subunit alpha; plus strand). Cytogenetic location: 17q24.2.
Variant type: single nucleotide variant.
Coding change: c.137C>A on transcript NM_002734.5 (MANE Select); coding-DNA position 137, C replaced by A.
Protein change: p.Pro46His; replaces proline 46 with histidine.
Molecular consequence: missense variant.
Genome position (GRCh38, 1-based): chr17:68,515,536, C>A. VCF-style: chr17-68515536-C-A. GRCh37 (hg19) VCF-style: chr17-66511677-C-A.
Other names: c.137C>A, p.Pro46His (NM_001276289.2, NM_001276290.1, NM_001278433.2 and 4 more transcripts); short protein forms P46H.
Identifiers: ClinVar variation 935231 (VCV000935231.12), dbSNP rs2085406263, ClinGen allele CA400752043.

ClinVar aggregate classification (germline): Uncertain significance. Review status: criteria provided, multiple submitters, no conflicts (2 of 4 stars). 2 submissions from 2 submitters: Uncertain significance (2). Last evaluated 2025-11-03.

Conditions:
Carney complex, type 1 (CNC1). Also called: CARNEY MYXOMA-ENDOCRINE COMPLEX; CARNEY COMPLEX, TYPE I. Identifiers: Orphanet 1359, MedGen C2607929, MONDO:0008057, OMIM 160980.
Hereditary cancer-predisposing syndrome. Also called: Tumor predisposition; Hereditary neoplastic syndrome; Hereditary Cancer Syndrome; Neoplastic Syndromes, Hereditary. Identifiers: Orphanet 140162, MedGen C0027672, MeSH D009386, MONDO:0015356.

Allele frequency attached by ClinVar (database versions not stated): gnomAD exomes below 0.00001.
gnomAD v4.1: 6 of 1,612,770 alleles (0.00037%); highest among the groups gnomAD compares: Non-Finnish European, 0.00051%; no homozygotes.

Submissions (2):

Labcorp Genetics (formerly Invitae), Labcorp
Classification: Uncertain significance for Carney complex, type 1. Last evaluated: 2025-11-03. Review status: criteria provided, single submitter. Criteria: Invitae Variant Classification Sherloc (09022015). Collection method: clinical testing. Allele origin: germline.
Comment: This sequence change replaces proline, which is neutral and non-polar, with histidine, which is basic and polar, at codon 46 of the PRKAR1A protein (p.Pro46His). This variant is not present in population databases (gnomAD no frequency). This variant has not been reported in the literature in individuals affected with PRKAR1A-related conditions. ClinVar contains an entry for this variant (Variation ID: 935231). Invitae Evidence Modeling of protein sequence and biophysical properties (such as structural, functional, and spatial information, amino acid conservation, physicochemical variation, residue mobility, and thermodynamic stability) indicates that this missense variant is expected to disrupt PRKAR1A protein function with a positive predictive value of 95%. In summary, the available evidence is currently insufficient to determine the role of this variant in disease. Therefore, it has been classified as a Variant of Uncertain Significance.

Ambry Genetics
Classification: Uncertain significance for Hereditary cancer-predisposing syndrome. Last evaluated: 2024-11-09. Review status: criteria provided, single submitter. Criteria: Ambry Variant Classification Scheme 2023. Collection method: clinical testing. Allele origin: germline.
Comment: The p.P46H variant (also known as c.137C>A), located in coding exon 1 of the PRKAR1A gene, results from a C to A substitution at nucleotide position 137. The proline at codon 46 is replaced by histidine, an amino acid with similar properties. This amino acid position is highly conserved in available vertebrate species. In addition, this alteration is predicted to be deleterious by in silico analysis. Since supporting evidence is limited at this time, the clinical significance of this alteration remains unclear.